The following is an entry in ClinVar:

NM_000059.4(BRCA2):c.4431T>C (p.Ile1477=)

Gene: BRCA2 (BRCA2 DNA repair associated; plus strand). Cytogenetic location: 13q13.1.
Variant type: single nucleotide variant.
Coding change: c.4431T>C on transcript NM_000059.4 (MANE Select); coding-DNA position 4431, T replaced by C.
Protein change: p.Ile1477=; no amino-acid change (isoleucine 1477 retained).
Molecular consequence: synonymous variant.
Genome position (GRCh38, 1-based): chr13:32,338,786, T>C. VCF-style: chr13-32338786-T-C. GRCh37 (hg19) VCF-style: chr13-32912923-T-C.
Identifiers: ClinVar variation 427376 (VCV000427376.4), dbSNP rs1131692111, ClinGen allele CA483437796.

ClinVar aggregate classification (germline): Likely benign. Review status: reviewed by expert panel (3 of 4 stars). 2 submissions from 2 submitters: Likely benign (1). 1 of the submissions does not count toward it. Last evaluated 2017-06-29.

Conditions:
Hereditary cancer-predisposing syndrome. Also called: Hereditary Cancer Syndrome; Tumor predisposition; Hereditary neoplastic syndrome; Neoplastic Syndromes, Hereditary. Identifiers: Orphanet 140162, MedGen C0027672, MeSH D009386, MONDO:0015356.
Breast-ovarian cancer, familial, susceptibility to, 2 (BROVCA2). Also called: BRCA2 Hereditary Breast and Ovarian Cancer. Identifiers: Orphanet 145, MedGen C2675520, MONDO:0012933, OMIM 612555. Disease mechanism: loss of function.

Submissions (2):

Evidence-based Network for the Interpretation of Germline Mutant Alleles (ENIGMA)
Classification: Likely benign for Breast-ovarian cancer, familial, susceptibility to, 2. Last evaluated: 2017-06-29. Review status: reviewed by expert panel. Criteria: ENIGMA BRCA1/2 Classification Criteria (2017-06-29). Collection method: curation. Allele origin: germline.
Comment: Synonymous substitution variant, with low bioinformatic likelihood to result in a splicing aberration (Splicing prior probability 0.02).

Ambry Genetics
Classification: Likely benign for Hereditary cancer-predisposing syndrome. Last evaluated: 2026-03-26. Review status: criteria provided, single submitter. Criteria: Ambry Variant Classification Scheme 2023. Collection method: clinical testing. Allele origin: germline. Not counted in ClinVar's aggregate classification.